The following is an entry in ClinVar:

ClinVar aggregate classification (germline): Uncertain significance. Review status: criteria provided, multiple submitters, no conflicts (2 of 4 stars). 2 submissions from 2 submitters: Uncertain significance (2). Last evaluated 2025-10-18.

Conditions:
Neuroblastoma, susceptibility to, 3. Also called: ALK-Related Neuroblastic Tumor Susceptibility. Identifiers: Orphanet 635, MedGen C2751681, MONDO:0013083, OMIM 613014.
Hereditary cancer-predisposing syndrome. Also called: Neoplastic Syndromes, Hereditary; Hereditary neoplastic syndrome; Tumor predisposition; Hereditary Cancer Syndrome. Identifiers: Orphanet 140162, MedGen C0027672, MeSH D009386, MONDO:0015356.

Allele frequency attached by ClinVar (database versions not stated): gnomAD exomes below 0.00001.
gnomAD v4.1: 1 of 1,614,256 alleles (0.000062%); highest among the groups gnomAD compares: Admixed American, 0.0017%; no homozygotes.

Submissions (2):

Ambry Genetics
Classification: Uncertain significance for Hereditary cancer-predisposing syndrome. Last evaluated: 2025-10-18. Review status: criteria provided, single submitter. Criteria: Ambry Variant Classification Scheme 2023. Collection method: clinical testing. Allele origin: germline.

Labcorp Genetics (formerly Invitae), Labcorp
Classification: Uncertain significance for Neuroblastoma, susceptibility to, 3. Last evaluated: 2025-10-05. Review status: criteria provided, single submitter. Criteria: Invitae Variant Classification Sherloc (09022015). Collection method: clinical testing. Allele origin: germline.
Comment: This sequence change replaces serine, which is neutral and polar, with cysteine, which is neutral and slightly polar, at codon 1481 of the ALK protein (p.Ser1481Cys). This variant is present in population databases (no rsID available, gnomAD 0.003%). This variant has not been reported in the literature in individuals affected with ALK-related conditions. ClinVar contains an entry for this variant (Variation ID: 666206). An algorithm developed to predict the effect of missense changes on protein structure and function (PolyPhen-2) suggests that this variant is likely to be disruptive. In summary, the available evidence is currently insufficient to determine the role of this variant in disease. Therefore, it has been classified as a Variant of Uncertain Significance.

NM_004304.5(ALK):c.4442C>G (p.Ser1481Cys)

Gene: ALK (ALK receptor tyrosine kinase; minus strand). Cytogenetic location: 2p23.2.
Variant type: single nucleotide variant.
Coding change: c.4442C>G on transcript NM_004304.5 (MANE Select); coding-DNA position 4442, C replaced by G.
Protein change: p.Ser1481Cys; replaces serine 1481 with cysteine.
Molecular consequence: missense variant.
Genome position (GRCh38, 1-based): chr2:29,193,645, G>C on the plus strand (C>G on the coding strand, the complement: ALK is on the minus strand). VCF-style: chr2-29193645-G-C. GRCh37 (hg19) VCF-style: chr2-29416511-G-C.
Other names: c.1238C>G, p.Ser413Cys (NM_001353765.2); short protein forms S413C, S1481C.
Identifiers: ClinVar variation 666206 (VCV000666206.12), dbSNP rs1356575388, ClinGen allele CA346462075.